The following is an entry in ClinVar:

NM_001122752.2(SERPINI1):c.364G>A (p.Glu122Lys)

Gene: SERPINI1 (serpin family I member 1; plus strand). Cytogenetic location: 3q26.1.
Variant type: single nucleotide variant.
Coding change: c.364G>A on transcript NM_001122752.2 (MANE Select); coding-DNA position 364, G replaced by A.
Protein change: p.Glu122Lys; replaces glutamic acid 122 with lysine.
Molecular consequence: missense variant.
Genome position (GRCh38, 1-based): chr3:167,790,485, G>A. VCF-style: chr3-167790485-G-A. GRCh37 (hg19) VCF-style: chr3-167508273-G-A.
Other names: c.364G>A, p.Glu122Lys (NM_005025.5); short protein forms E122K.
Identifiers: ClinVar variation 3019093 (VCV003019093.3), dbSNP rs1727468427, ClinGen allele CA355156134.

ClinVar aggregate classification (germline): Uncertain significance (1 of 4 stars; one submission).

Conditions:
Familial encephalopathy with neuroserpin inclusion bodies. Also called: ENCEPHALOPATHY, FAMILIAL, WITH COLLINS BODIES. Identifiers: Orphanet 85110, MedGen C1858680, MONDO:0011412, OMIM 604218.

Allele frequency attached by ClinVar (database versions not stated): gnomAD exomes below 0.00001; TOPMed below 0.00001.
gnomAD v4.1: 3 of 1,613,982 alleles (0.00019%); highest among the groups gnomAD compares: Non-Finnish European, 0.00025%; no homozygotes.

Submission:

Labcorp Genetics (formerly Invitae), Labcorp
Classification: Uncertain significance for Familial encephalopathy with neuroserpin inclusion bodies. Last evaluated: 2023-03-10. Review status: criteria provided, single submitter. Criteria: Invitae Variant Classification Sherloc (09022015). Collection method: clinical testing. Allele origin: germline.
Comment: In summary, the available evidence is currently insufficient to determine the role of this variant in disease. Therefore, it has been classified as a Variant of Uncertain Significance. Advanced modeling of protein sequence and biophysical properties (such as structural, functional, and spatial information, amino acid conservation, physicochemical variation, residue mobility, and thermodynamic stability) performed at Invitae indicates that this missense variant is not expected to disrupt SERPINI1 protein function. This variant has not been reported in the literature in individuals affected with SERPINI1-related conditions. This variant is not present in population databases (gnomAD no frequency). This sequence change replaces glutamic acid, which is acidic and polar, with lysine, which is basic and polar, at codon 122 of the SERPINI1 protein (p.Glu122Lys).